The following is an entry in ClinVar:

ClinVar aggregate classification (germline): Pathogenic. Review status: criteria provided, multiple submitters, no conflicts (2 of 4 stars). 2 submissions from 2 submitters: Pathogenic (2). Last evaluated 2026-07-01.

Conditions:
Glycogen storage disease, type II (IOPD). Also called: CARDIOMEGALIA GLYCOGENICA DIFFUSA; GLYCOGENOSIS, GENERALIZED, CARDIAC FORM; GSD II; Glycogen storage disease type 2; Acid maltase deficiency disease; Aglucosidase alfa. Identifiers: Orphanet 365, MedGen C0017921, MONDO:0009290, OMIM 232300.

Submissions (2):

Genomenon, Inc
Classification: Pathogenic for Glycogen storage disease, type II. Last evaluated: 2026-07-01. Review status: criteria provided, single submitter. Criteria: Genomenon Sequence Variant Interpretation Standards - Updated. Collection method: curation. Allele origin: germline. Affected: yes.
Comment: GAA p.Arg725GlyfsTer39 (c.2173del) is a frameshift variant that is predicted to introduce a premature termination codon and result in a truncated or absent protein product. This variant has been observed in at least one proband with a GAA-related disorder (PMID:33073003). It is absent or not present at a significant frequency in gnomAD. In conclusion, we classify GAA p.Arg725GlyfsTer39 (c.2173del) as a pathogenic variant.

Labcorp Genetics (formerly Invitae), Labcorp
Classification: Pathogenic for Glycogen storage disease, type II. Last evaluated: 2020-08-27. Review status: criteria provided, single submitter. Criteria: Invitae Variant Classification Sherloc (09022015). Collection method: clinical testing. Allele origin: germline.
Comment: This sequence change creates a premature translational stop signal (p.Arg725Glyfs*39) in the GAA gene. It is expected to result in an absent or disrupted protein product. This variant is not present in population databases (ExAC no frequency). This variant has not been reported in the literature in individuals with GAA-related conditions. Loss-of-function variants in GAA are known to be pathogenic (PMID: 18425781, 22252923). For these reasons, this variant has been classified as Pathogenic.

Literature cited by the submitters: PubMed 33073003 (cited by Genomenon, Inc); PubMed 18425781 (cited by Labcorp Genetics (formerly Invitae), Labcorp); PubMed 22252923 (cited by Labcorp Genetics (formerly Invitae), Labcorp).

NM_000152.5(GAA):c.2173del (p.Arg725fs)

Gene: GAA (alpha glucosidase; plus strand). Cytogenetic location: 17q25.3.
Variant type: Deletion.
Coding change: c.2173del on transcript NM_000152.5 (MANE Select); coding-DNA position 2173, one base deleted (C; older notation c.2173delC).
Protein change: p.Arg725fs; shifts the reading frame from arginine 725.
Molecular consequence: frameshift variant.
Genome position (GRCh38, 1-based): chr17:80,113,350, C deleted; the last of 3 consecutive C bases (chr17:80,113,348-80,113,350); deleting any one gives the same sequence. VCF-style (leftmost placement, unchanged base first): chr17-80113347-GC-G. GRCh37 (hg19) VCF-style: chr17-78087146-GC-G.
Other names: c.2173del, p.Arg725fs (NM_001079803.3, NM_001079804.3); short protein forms R725fs.
Identifiers: ClinVar variation 1075601 (VCV001075601.8), dbSNP rs2039292320, ClinGen allele CA986708846.